The following is an entry in ClinVar:

NM_005762.3(TRIM28):c.2343C>T (p.Asp781=)

Gene: TRIM28 (tripartite motif containing 28; plus strand). Cytogenetic location: 19q13.43.
Variant type: single nucleotide variant.
Coding change: c.2343C>T on transcript NM_005762.3 (MANE Select); coding-DNA position 2343, C replaced by T.
Protein change: p.Asp781=; no amino-acid change (aspartic acid 781 retained).
Molecular consequence: synonymous variant.
Genome position (GRCh38, 1-based): chr19:58,550,388, C>T. VCF-style: chr19-58550388-C-T. GRCh37 (hg19) VCF-style: chr19-59061755-C-T.
Identifiers: ClinVar variation 4084089 (VCV004084089.9).

ClinVar aggregate classification (germline): Likely benign. Review status: criteria provided, multiple submitters, no conflicts (2 of 4 stars). 2 submissions from 2 submitters: Likely benign (2). Last evaluated 2026-04-01.

gnomAD v4.1: 119 of 1,613,836 alleles (0.0074%); highest among the groups gnomAD compares: African/African-American, 0.035%; no homozygotes.

Submissions (2):

CeGaT Center for Human Genetics Tuebingen
Classification: Likely benign. Last evaluated: 2026-04-01. Review status: criteria provided, single submitter. Criteria: CeGaT Center For Human Genetics Tuebingen Variant Classification Criteria Version 2. Collection method: clinical testing. Allele origin: germline. Affected: yes. Observed: 2 variant alleles.
Comment: TRIM28: BP4, BP7

Labcorp Genetics (formerly Invitae), Labcorp
Classification: Likely benign. Last evaluated: 2025-10-09. Review status: criteria provided, single submitter. Criteria: Invitae Variant Classification Sherloc (09022015). Collection method: clinical testing. Allele origin: germline.